The following is an entry in ClinVar:

NM_000038.6(APC):c.6019T>C (p.Tyr2007His)

Gene: APC (APC regulator of Wnt signaling pathway; plus strand). Cytogenetic location: 5q22.2.
Variant type: single nucleotide variant.
Coding change: c.6019T>C on transcript NM_000038.6 (MANE Select); coding-DNA position 6019, T replaced by C.
Protein change: p.Tyr2007His; replaces tyrosine 2007 with histidine.
Molecular consequence: missense variant.
Genome position (GRCh38, 1-based): chr5:112,841,613, T>C. VCF-style: chr5-112841613-T-C. GRCh37 (hg19) VCF-style: chr5-112177310-T-C.
Other names: c.6019T>C, p.Tyr2007His (NM_001127510.3, NM_001354895.2); c.5965T>C, p.Tyr1989His (NM_001127511.3); c.6073T>C, p.Tyr2025His (NM_001354896.2); c.6049T>C, p.Tyr2017His (NM_001354897.2); c.5944T>C, p.Tyr1982His (NM_001354898.2); c.5935T>C, p.Tyr1979His (NM_001354899.2); c.5896T>C, p.Tyr1966His (NM_001354900.2); c.5842T>C, p.Tyr1948His (NM_001354901.2); and 5 more; short protein forms Y1989H, Y2007H, Y1847H, Y1881H, Y1906H, Y1916H, Y1948H, Y1966H.
Identifiers: ClinVar variation 411501 (VCV000411501.46), dbSNP rs745811356, ClinGen allele CA043743.

ClinVar aggregate classification (germline): Conflicting classifications of pathogenicity. Review status: criteria provided, conflicting classifications (1 of 4 stars). 14 submissions from 14 submitters: Uncertain significance (9); Likely benign (4). 1 of the submissions does not count toward it. Last evaluated 2026-01-25.

Conditions:
Classic or attenuated familial adenomatous polyposis. Identifiers: MedGen CN372698, MONDO:0021057.
APC-related disorder. Also called: APC-related condition.
APC-Associated Polyposis Disorders.
Hereditary cancer-predisposing syndrome. Also called: Hereditary neoplastic syndrome; Neoplastic Syndromes, Hereditary; Hereditary Cancer Syndrome; Tumor predisposition. Identifiers: Orphanet 140162, MedGen C0027672, MeSH D009386, MONDO:0015356.
Familial adenomatous polyposis 1 (FAP1). Also called: FAMILIAL ADENOMATOUS POLYPOSIS 1, ATTENUATED; POLYPOSIS, ADENOMATOUS INTESTINAL. Identifiers: MedGen C2713442, MONDO:0021056, OMIM 175100. Disease mechanism: loss of function.

Allele frequency attached by ClinVar (database versions not stated): gnomAD exomes 0.00003 and 0.00004; TOPMed 0.00003; gnomAD 0.00004 and 0.00003; ExAC 0.00003.
gnomAD v4.1: 65 of 1,613,246 alleles (0.004%); highest among the groups gnomAD compares: Non-Finnish European, 0.0054%; no homozygotes.

Submissions (14):

Labcorp Genetics (formerly Invitae), Labcorp
Classification: Uncertain significance for Familial adenomatous polyposis 1. Last evaluated: 2026-01-25. Review status: criteria provided, single submitter. Criteria: Invitae Variant Classification Sherloc (09022015). Collection method: clinical testing. Allele origin: germline.
Comment: This sequence change replaces tyrosine, which is neutral and polar, with histidine, which is basic and polar, at codon 2007 of the APC protein (p.Tyr2007His). This variant is present in population databases (rs745811356, gnomAD 0.007%). This variant has not been reported in the literature in individuals affected with APC-related conditions. ClinVar contains an entry for this variant (Variation ID: 411501). Invitae Evidence Modeling of protein sequence and biophysical properties (such as structural, functional, and spatial information, amino acid conservation, physicochemical variation, residue mobility, and thermodynamic stability) indicates that this missense variant is not expected to disrupt APC protein function with a negative predictive value of 95%. In summary, the available evidence is currently insufficient to determine the role of this variant in disease. Therefore, it has been classified as a Variant of Uncertain Significance.

GeneDx
Classification: Uncertain significance. Last evaluated: 2025-09-25. Review status: criteria provided, single submitter. Criteria: GeneDx Variant Classification Process June 2021. Collection method: clinical testing. Allele origin: germline. Affected: yes.
Comment: In silico analysis suggests that this missense variant does not alter protein structure/function; Has not been previously published as pathogenic or benign to our knowledge; This variant is associated with the following publications: (PMID: 18199528)

Center for Genomic Medicine, Rigshospitalet, Copenhagen University Hospital
Classification: Likely benign. Last evaluated: 2025-03-04. Review status: criteria provided, single submitter. Criteria: ACMG Guidelines, 2015. Collection method: clinical testing. Allele origin: germline.

Laboratory of Genetics, Children's Clinical University Hospital Latvia
Classification: Likely benign. Last evaluated: 2025-02-16. Review status: criteria provided, single submitter. Criteria: ACMG Guidelines, 2015. Collection method: clinical testing. Allele origin: germline. Affected: yes.

Blueprint Genetics
Classification: Likely benign. Last evaluated: 2024-09-03. Review status: criteria provided, single submitter. Criteria: ACMG Guidelines, 2015. Collection method: clinical testing. Allele origin: germline.

All of Us Research Program, National Institutes of Health
Classification: Uncertain significance for Classic or attenuated familial adenomatous polyposis. Last evaluated: 2024-07-29. Review status: criteria provided, single submitter. Criteria: ACMG Guidelines, 2015. Collection method: clinical testing. Allele origin: germline. Inheritance: Autosomal dominant inheritance. Observed: 11 variant alleles, 11 heterozygotes.
Comment: This missense variant replaces tyrosine with histidine at codon 2007 of the APC protein. Computational prediction is inconclusive regarding the impact of this variant on protein structure and function (internally defined REVEL score threshold 0.5 < inconclusive < 0.7, PMID: 27666373). Splice site prediction tools suggest that this variant may not impact RNA splicing. To our knowledge, functional studies have not been performed for this variant. This variant has not been reported in individuals affected with hereditary cancer in the literature. This variant has been identified in 8/281524 chromosomes in the general population by the Genome Aggregation Database (gnomAD). The available evidence is insufficient to determine the role of this variant in disease conclusively. Therefore, this variant is classified as a Variant of Uncertain Significance.

This study involves interpretation of variants in research participants for the purpose of population health screening. Participant phenotype was not available at the time of variant classification. Additional details can be found in publication PMID: 35346344, PMCID: PMC8962531

Baylor Genetics
Classification: Uncertain significance for Familial adenomatous polyposis 1. Last evaluated: 2024-03-15. Review status: criteria provided, single submitter. Criteria: ACMG Guidelines, 2015. Collection method: clinical testing. Allele origin: unknown.

Color Diagnostics, LLC DBA Color Health
Classification: Uncertain significance for Hereditary cancer-predisposing syndrome. Last evaluated: 2024-03-06. Review status: criteria provided, single submitter. Criteria: ACMG Guidelines, 2015. Collection method: clinical testing. Allele origin: germline.
Comment: This missense variant replaces tyrosine with histidine at codon 2007 of the APC protein. Computational prediction is inconclusive regarding the impact of this variant on protein structure and function (internally defined REVEL score threshold 0.5 < inconclusive < 0.7, PMID: 27666373). To our knowledge, functional studies have not been reported for this variant. This variant has not been reported in individuals affected with APC-related disorders in the literature. This variant has been identified in 8/281524 chromosomes in the general population by the Genome Aggregation Database (gnomAD). The available evidence is insufficient to determine the role of this variant in disease conclusively. Therefore, this variant is classified as a Variant of Uncertain Significance.

Department of Pathology and Laboratory Medicine, Sinai Health System
Classification: Uncertain significance for classic or attenuated familial adenomatous polyposis. Last evaluated: 2023-05-29. Review status: criteria provided, single submitter. Criteria: ACMG Guidelines, 2015. Collection method: clinical testing. Allele origin: germline. Affected: yes.

Women's Health and Genetics/Laboratory Corporation of America, LabCorp
Classification: Uncertain significance. Last evaluated: 2022-02-07. Review status: criteria provided, single submitter. Criteria: LabCorp Variant Classification Summary - May 2015. Collection method: clinical testing. Allele origin: germline.
Comment: Variant summary: APC c.6019T>C (p.Tyr2007His) results in a conservative amino acid change in the encoded protein sequence. Three of five in-silico tools predict a damaging effect of the variant on protein function. The variant allele was found at a frequency of 2.8e-05 in 250120 control chromosomes. The available data on variant occurrences in the general population are insufficient to allow any conclusion about variant significance. To our knowledge, no occurrence of c.6019T>C in individuals affected with Familial Adenomatous Polyposis and no experimental evidence demonstrating its impact on protein function have been reported. Five clinical diagnostic laboratories have submitted clinical-significance assessments for this variant to ClinVar after 2014 without evidence for independent evaluation. All laboratories classified the variant as uncertain significance. Based on the evidence outlined above, the variant was classified as uncertain significance.

Sema4
Classification: Uncertain significance for Hereditary cancer-predisposing syndrome. Last evaluated: 2021-09-08. Review status: criteria provided, single submitter. Criteria: Sema4 Curation Guidelines. Collection method: curation. Allele origin: germline.
Comment: To the best of our knowledge, the APC c.6019T>C (p.Y2007H) variant has not been reported in individuals with APC-related disease. This variant was observed in 8/128520 chromosomes in the European (non-Finnish) population according to the Genome Aggregation Database (PMID: 32461654), and has been reported in ClinVar (Variation ID: 411501). Functional studies have not been performed, and in silico predictions of the variant's effect on protein function are inconclusive. Based on the current evidence available, this variant is interpreted as a variant of uncertain significance.

Ambry Genetics
Classification: Likely benign for Hereditary cancer-predisposing syndrome. Last evaluated: 2021-04-01. Review status: criteria provided, single submitter. Criteria: Ambry Variant Classification Scheme 2023. Collection method: clinical testing. Allele origin: germline.

Illumina Laboratory Services, Illumina
Classification: Uncertain significance for APC-Associated Polyposis Disorders. Last evaluated: 2018-01-13. Review status: criteria provided, single submitter. Criteria: ICSL Variant Classification Criteria 13 December 2019. Collection method: clinical testing. Allele origin: germline.

PreventionGenetics, part of Exact Sciences
Classification: Uncertain significance for APC-related condition. Last evaluated: 2024-02-23. Review status: no assertion criteria provided. Collection method: clinical testing. Allele origin: germline. Not counted in ClinVar's aggregate classification.
Comment: The APC c.6019T>C variant is predicted to result in the amino acid substitution p.Tyr2007His. To our knowledge, this variant has not been reported in the literature. This variant is reported in 0.0062% of alleles in individuals of European (Non-Finnish) descent in gnomAD. This variant is interpreted as uncertain or likely benign in ClinVar. At this time, the clinical significance of this variant is uncertain due to the absence of conclusive functional and genetic evidence.